The following is an entry in ClinVar:

NM_003482.4(KMT2D):c.12261C>A (p.Ser4087Arg)

Gene: KMT2D (lysine methyltransferase 2D; minus strand). Cytogenetic location: 12q13.12.
Variant type: single nucleotide variant.
Coding change: c.12261C>A on transcript NM_003482.4 (MANE Select); coding-DNA position 12261, C replaced by A.
Protein change: p.Ser4087Arg; replaces serine 4087 with arginine.
Molecular consequence: missense variant.
Genome position (GRCh38, 1-based): chr12:49,032,444, G>T on the plus strand (C>A on the coding strand, the complement: KMT2D is on the minus strand). VCF-style: chr12-49032444-G-T. GRCh37 (hg19) VCF-style: chr12-49426227-G-T.
Other names: short protein forms S4087R.
Identifiers: ClinVar variation 3681033 (VCV003681033.2).

ClinVar aggregate classification (germline): Uncertain significance (1 of 4 stars; one submission).

Conditions:
Kabuki syndrome. Also called: NIIKAWA-KUROKI SYNDROME; Kabuki make-up syndrome. Identifiers: Orphanet 2322, MedGen C0796004, MONDO:0016512.

gnomAD v4.1: 4 of 1,572,750 alleles (0.00025%); highest among the groups gnomAD compares: Non-Finnish European, 0.00035%; no homozygotes.

Submission:

Labcorp Genetics (formerly Invitae), Labcorp
Classification: Uncertain significance for Kabuki syndrome. Last evaluated: 2024-09-09. Review status: criteria provided, single submitter. Criteria: Invitae Variant Classification Sherloc (09022015). Collection method: clinical testing. Allele origin: germline.
Comment: This sequence change replaces serine, which is neutral and polar, with arginine, which is basic and polar, at codon 4087 of the KMT2D protein (p.Ser4087Arg). This variant is not present in population databases (gnomAD no frequency). This variant has not been reported in the literature in individuals affected with KMT2D-related conditions. Invitae Evidence Modeling of protein sequence and biophysical properties (such as structural, functional, and spatial information, amino acid conservation, physicochemical variation, residue mobility, and thermodynamic stability) indicates that this missense variant is not expected to disrupt KMT2D protein function with a negative predictive value of 95%. In summary, the available evidence is currently insufficient to determine the role of this variant in disease. Therefore, it has been classified as a Variant of Uncertain Significance.